The following is an entry in ClinVar:

NM_005204.4(MAP3K8):c.1388C>T (p.Thr463Met)

Gene: MAP3K8 (mitogen-activated protein kinase kinase kinase 8; plus strand). Cytogenetic location: 10p11.23.
Variant type: single nucleotide variant.
Coding change: c.1388C>T on transcript NM_005204.4 (MANE Select); coding-DNA position 1388, C replaced by T.
Protein change: p.Thr463Met; replaces threonine 463 with methionine.
Molecular consequence: missense variant.
Genome position (GRCh38, 1-based): chr10:30,460,820, C>T. VCF-style: chr10-30460820-C-T. GRCh37 (hg19) VCF-style: chr10-30749749-C-T.
Other names: c.1388C>T, p.Thr463Met (NM_001244134.1, NM_001320961.2); short protein forms T463M.
Identifiers: ClinVar variation 1381336 (VCV001381336.8), dbSNP rs766981801, ClinGen allele CA5459942.

ClinVar aggregate classification (germline): Uncertain significance (1 of 4 stars; one submission).

Allele frequency attached by ClinVar (database versions not stated): ExAC 0.00001; gnomAD exomes 0.00001; gnomAD 0.00002; TOPMed 0.00003.
gnomAD v4.1: 26 of 1,613,598 alleles (0.0016%); highest among the groups gnomAD compares: African/African-American, 0.013%; no homozygotes.

Submission:

Labcorp Genetics (formerly Invitae), Labcorp
Classification: Uncertain significance. Last evaluated: 2025-01-11. Review status: criteria provided, single submitter. Criteria: Invitae Variant Classification Sherloc (09022015). Collection method: clinical testing. Allele origin: germline.
Comment: This sequence change replaces threonine, which is neutral and polar, with methionine, which is neutral and non-polar, at codon 463 of the MAP3K8 protein (p.Thr463Met). This variant is present in population databases (rs766981801, gnomAD 0.004%). This variant has not been reported in the literature in individuals affected with MAP3K8-related conditions. ClinVar contains an entry for this variant (Variation ID: 1381336). An algorithm developed to predict the effect of missense changes on protein structure and function (PolyPhen-2) suggests that this variant is likely to be tolerated. In summary, the available evidence is currently insufficient to determine the role of this variant in disease. Therefore, it has been classified as a Variant of Uncertain Significance.